The following is an entry in ClinVar:

ClinVar aggregate classification (germline): Uncertain significance (1 of 4 stars; one submission).

Allele frequency attached by ClinVar (database versions not stated): TOPMed below 0.00001.

Submission:

Labcorp Genetics (formerly Invitae), Labcorp
Classification: Uncertain significance. Last evaluated: 2022-08-19. Review status: criteria provided, single submitter. Criteria: Invitae Variant Classification Sherloc (09022015). Collection method: clinical testing. Allele origin: germline.
Comment: This sequence change replaces glutamic acid, which is acidic and polar, with glycine, which is neutral and non-polar, at codon 149 of the TONSL protein (p.Glu149Gly). This variant is not present in population databases (gnomAD no frequency). This variant has not been reported in the literature in individuals affected with TONSL-related conditions. Algorithms developed to predict the effect of missense changes on protein structure and function (SIFT, PolyPhen-2, Align-GVGD) all suggest that this variant is likely to be tolerated. Algorithms developed to predict the effect of sequence changes on RNA splicing suggest that this variant may disrupt the consensus splice site. In summary, the available evidence is currently insufficient to determine the role of this variant in disease. Therefore, it has been classified as a Variant of Uncertain Significance.

NM_013432.5(TONSL):c.446A>G (p.Glu149Gly)

Gene: TONSL (tonsoku like, DNA repair protein; minus strand). Cytogenetic location: 8q24.3.
Variant type: single nucleotide variant.
Coding change: c.446A>G on transcript NM_013432.5 (MANE Select); coding-DNA position 446, A replaced by G.
Protein change: p.Glu149Gly; replaces glutamic acid 149 with glycine.
Molecular consequence: missense variant.
Genome position (GRCh38, 1-based): chr8:144,443,140, T>C on the plus strand (A>G on the coding strand, the complement: TONSL is on the minus strand). VCF-style: chr8-144443140-T-C. GRCh37 (hg19) VCF-style: chr8-145668523-T-C.
Other names: short protein forms E149G.
Identifiers: ClinVar variation 1958607 (VCV001958607.5), dbSNP rs1459186827, ClinGen allele CA372678898.